The following is an entry in ClinVar:

NM_001320322.1(TMTC2):c.84-78853_84-44447del

Gene: TMTC2 (transmembrane O-mannosyltransferase targeting cadherins 2; plus strand). Cytogenetic location: 12q21.31.
Variant type: Deletion.
Coding change: c.84-78853_84-44447del on transcript NM_001320322.1; 78853 bases into the intron before coding-DNA position 84 through 44447 bases into the intron before coding-DNA position 84, this stretch deleted.
Identifiers: ClinVar variation 157259 (VCV000157259.2).

ClinVar aggregate classification (germline): not provided (0 of 4 stars; one submission).

Conditions:
Small for gestational age. Also called: Low birth weight. Identifiers: MedGen C0235991, HP:0001518.

Submission:

Institute of Molecular and Cell Biology, University of Tartu
No classification provided. Condition: Small for gestational age. Review status: no classification provided. Collection method: case-control. Allele origin: unknown. Affected: yes. Study: Kasak2014.
Comment: The study aimed to determine the contribution of copy number variants in the genetic etiology of normal and complicated pregnancies. The samples represented (i) maternal blood DNA drawn from healthy pregnant women during 1st or 2nd trimester and (ii) maternal and paternal blood DNA drawn at term pregnancy cases representing normal and complicated gestations (severe preeclampsia, PE; gestational diabetes, GD; small-for-gestational age newborn, SGA; large-for-gestational age newborn, LGA). We performed CNV calling based on genome-wide genotyping dataset (Illumina HumanOmniExpress-24-v1 BeadChip) by applying three algorithms, QuantiSNP, GADA (Genome Alteration Detection Algorithm) and CNstream in parallel. The acquired CNV calls were merged with HD-CNV (Hotspot Detector for Copy Number Variants) program and only the CNVs predicted by at least two programs, were considered in subsequent analysis.

Literature cited by the submitters: PubMed 25666259.